The following is an entry in ClinVar:

ClinVar aggregate classification (germline): Uncertain significance (1 of 4 stars; one submission).

gnomAD v4.1: 1 of 1,613,570 alleles (0.000062%); highest among the groups gnomAD compares: Non-Finnish European, 0.000085%; no homozygotes.

Submission:

Ambry Genetics
Classification: Uncertain significance. Last evaluated: 2023-12-05. Review status: criteria provided, single submitter. Criteria: Ambry Variant Classification Scheme 2023. Collection method: clinical testing. Allele origin: germline.
Comment: The p.I348V variant (also known as c.1042A>G), located in coding exon 11 of the PRKDC gene, results from an A to G substitution at nucleotide position 1042. The isoleucine at codon 348 is replaced by valine, an amino acid with highly similar properties. This amino acid position is conserved. In addition, this alteration is predicted to be tolerated by in silico analysis. Since supporting evidence is limited at this time, the clinical significance of this alteration remains unclear.

NM_006904.7(PRKDC):c.1042A>G (p.Ile348Val)

Gene: PRKDC (protein kinase, DNA-activated, catalytic subunit; minus strand). Cytogenetic location: 8q11.21.
Variant type: single nucleotide variant.
Coding change: c.1042A>G on transcript NM_006904.7 (MANE Select); coding-DNA position 1042, A replaced by G.
Protein change: p.Ile348Val; replaces isoleucine 348 with valine.
Molecular consequence: missense variant.
Genome position (GRCh38, 1-based): chr8:47,939,622, T>C on the plus strand (A>G on the coding strand, the complement: PRKDC is on the minus strand). VCF-style: chr8-47939622-T-C. GRCh37 (hg19) VCF-style: chr8-48852182-T-C.
Other names: c.1042A>G, p.Ile348Val (NM_001081640.2); short protein forms I348V.
Identifiers: ClinVar variation 3225704 (VCV003225704.1), dbSNP rs1415006422, ClinGen allele CA371166699.